The following is an entry in ClinVar:

NC_000017.10:g.(?_29422055)_(29701173_?)dup

Genes: EVI2A (ecotropic viral integration site 2A; minus strand), EVI2B (ecotropic viral integration site 2B; minus strand), NF1 (neurofibromin 1; plus strand), OMG (oligodendrocyte myelin glycoprotein; minus strand). Cytogenetic location: 17q11.2.
Variant type: Duplication.
Identifiers: ClinVar variation 2422751 (VCV002422751.2).

ClinVar aggregate classification (germline): Uncertain significance (1 of 4 stars; one submission).

Conditions:
Neurofibromatosis, type 1 (NF1). Also called: Peripheral type neurofibromatosis; VON RECKLINGHAUSEN DISEASE; NEUROFIBROMATOSIS, TYPE I, SOMATIC; Neurofibromatosis, type I. Identifiers: Orphanet 636, MedGen C0027831, MONDO:0018975, OMIM 162200. Disease mechanism: loss of function.

Submission:

Labcorp Genetics (formerly Invitae), Labcorp
Classification: Uncertain significance for Neurofibromatosis, type 1. Last evaluated: 2022-10-31. Review status: criteria provided, single submitter. Criteria: Invitae Variant Classification Sherloc (09022015). Collection method: clinical testing. Allele origin: germline.
Comment: A copy number gain of the genomic region encompassing the full coding sequence of the NF1 gene has been identified. The boundaries of this event are unknown as they extend beyond the assayed region for this gene and therefore may encompass additional genes. As the precise location of this event is unknown, it may be in tandem or it may be located elsewhere in the genome. Isolated whole-gene copy number gains of NF1 have not been reported in the literature. However, larger copy number events that include this gene have been reported (PMID: 18183042, 22241097, 25205021, 27629806). In summary, the available evidence is currently insufficient to determine the role of this variant in disease. Therefore, it has been classified as a Variant of Uncertain Significance.

Literature cited by the submitters: PubMed 18183042; PubMed 22241097; PubMed 25205021; PubMed 27629806.